The following is an entry in ClinVar:

ClinVar aggregate classification (germline): Uncertain significance. Review status: criteria provided, multiple submitters, no conflicts (2 of 4 stars). 5 submissions from 5 submitters: Uncertain significance (4). 1 of the submissions does not count toward it. Last evaluated 2026-03-12.

Conditions:
Ehlers-Danlos syndrome, dermatosparaxis type. Also called: EDS VIIC; Dermatosparaxis; Ehlers-Danlos syndrome, type VII, autosomal recessive. Identifiers: Orphanet 1901, MedGen C2700425, MONDO:0009161, OMIM 225410.

Submissions (5):

GeneDx
Classification: Uncertain significance. Last evaluated: 2026-03-12. Review status: criteria provided, single submitter. Criteria: GeneDx Variant Classification Process June 2021. Collection method: clinical testing. Allele origin: germline.
Comment: Has not been previously published as pathogenic or benign to our knowledge; Not observed at significant frequency in large population cohorts (gnomAD); In silico analysis suggests that this variant does not alter protein structure/function; In-frame deletion of 5 amino acids in a non-repeat region

Women's Health and Genetics/Laboratory Corporation of America, LabCorp
Classification: Uncertain significance. Last evaluated: 2025-09-05. Review status: criteria provided, single submitter. Criteria: LabCorp Variant Classification Summary - May 2015. Collection method: clinical testing. Allele origin: germline.
Comment: Variant summary: ADAMTS2 c.80_94del15 (p.Leu27_Pro31del) results in an in-frame deletion that is predicted to remove 5 amino acids from the encoded protein. The frequency data for this variant in gnomAD is considered unreliable, as metrics indicate poor data quality at this position. To our knowledge, no occurrence of c.80_94del15 in individuals affected with ADAMTS2-related conditions and no experimental evidence demonstrating its impact on protein function have been reported. ClinVar contains an entry for this variant (Variation ID: 646512). Based on the evidence outlined above, the variant was classified as uncertain significance.

Labcorp Genetics (formerly Invitae), Labcorp
Classification: Uncertain significance for Ehlers-Danlos syndrome, dermatosparaxis type. Last evaluated: 2022-05-07. Review status: criteria provided, single submitter. Criteria: Invitae Variant Classification Sherloc (09022015). Collection method: clinical testing. Allele origin: germline.
Comment: This variant, c.80_94del, results in the deletion of 5 amino acid(s) of the ADAMTS2 protein (p.Leu27_Pro31del), but otherwise preserves the integrity of the reading frame. The frequency data for this variant in the population databases is considered unreliable, as metrics indicate poor data quality at this position in the gnomAD database. This variant has not been reported in the literature in individuals affected with ADAMTS2-related conditions. ClinVar contains an entry for this variant (Variation ID: 646512). Experimental studies and prediction algorithms are not available or were not evaluated, and the functional significance of this variant is currently unknown. In summary, the available evidence is currently insufficient to determine the role of this variant in disease. Therefore, it has been classified as a Variant of Uncertain Significance.

Fulgent Genetics
Classification: Uncertain significance for Ehlers-Danlos syndrome, dermatosparaxis type. Last evaluated: 2021-11-02. Review status: criteria provided, single submitter. Criteria: ACMG Guidelines, 2015. Collection method: clinical testing. Allele origin: unknown.

Natera, Inc.
Classification: Uncertain significance for Ehlers-Danlos syndrome type VIIC. Last evaluated: 2020-09-16. Review status: no assertion criteria provided. Collection method: clinical testing. Allele origin: germline. Not counted in ClinVar's aggregate classification.

NM_014244.5(ADAMTS2):c.80_94del (p.22_26LLPPP[1])

Gene: ADAMTS2 (ADAM metallopeptidase with thrombospondin type 1 motif 2; minus strand). Cytogenetic location: 5q35.3.
Variant type: Deletion.
Coding change: c.80_94del on transcript NM_014244.5 (MANE Select); coding-DNA positions 80 to 94, 15 bases deleted (TCCTGCCGCCGCCGC).
Protein change: p.22_26LLPPP[1].
Molecular consequence: inframe deletion.
Genome position (GRCh38, 1-based): chr5:179,345,235-179,345,249, GCGGCGGCGGCAGGA deleted on the plus strand (TCCTGCCGCCGCCGC on the coding strand, the reverse complement: ADAMTS2 is on the minus strand); deleting any 15 consecutive bases within chr5:179,345,235-179,345,262 gives the same sequence; the c. name uses the placement nearest the transcript's 3' end. VCF-style (leftmost placement, unchanged base first): chr5-179345234-GGCGGCGGCGGCAGGA-G. GRCh37 (hg19) VCF-style: chr5-178772235-GGCGGCGGCGGCAGGA-G.
Other names: c.80_94del, p.22_26LLPPP[1] (NM_021599.4); c.80_94delTCCTGCCGCCGCCGC (NM_014244.5); c.80_94del (NM_014244.4); c.80_94del15 (NM_014244.5).
Identifiers: ClinVar variation 646512 (VCV000646512.8), dbSNP rs1041304220, ClinGen allele CA133086888.
Genomic context (GRCh38, chr5:179,345,234, plus strand): 5'-GCCGGGCCGCACCTACCTGGGGGGTCGGCGGCGGCGGCGAGCCTGGCGTTCGCGGGCGGC[GGCGGCGGCGGCAGGA>G]GCGGCGGCGGCAGCAGCAGCAGCAGCAGCAGCAGCGCGGGGCAGAGCAGGCGGCGAGCGG-3'